The following is an entry in ClinVar:

NM_080680.3(COL11A2):c.2820G>A (p.Gly940=)

Gene: COL11A2 (collagen type XI alpha 2 chain; minus strand). Cytogenetic location: 6p21.32.
Variant type: single nucleotide variant.
Coding change: c.2820G>A on transcript NM_080680.3 (MANE Select); coding-DNA position 2820, G replaced by A.
Protein change: p.Gly940=; no amino-acid change (glycine 940 retained).
Molecular consequence: synonymous variant.
Genome position (GRCh38, 1-based): chr6:33,172,608, C>T on the plus strand (G>A on the coding strand, the complement: COL11A2 is on the minus strand). VCF-style: chr6-33172608-C-T. GRCh37 (hg19) VCF-style: chr6-33140385-C-T.
Other names: c.2640G>A, p.Gly880= (NM_001424108.1); c.1974G>A, p.Gly658= (NM_001424109.1); c.1794G>A, p.Gly598= (NM_001424110.1, NM_001424111.1); c.774G>A, p.Gly258= (NM_001424112.1); c.2499G>A, p.Gly833= (NM_080679.3); c.2562G>A, p.Gly854= (NM_080681.3); c.2820G>A (NM_080680.2).
Identifiers: ClinVar variation 2807113 (VCV002807113.5), dbSNP rs990677269, ClinGen allele CA137067969.

ClinVar aggregate classification (germline): Likely benign. Review status: criteria provided, single submitter (1 of 4 stars). 2 submissions from 2 submitters: Likely benign (1). 1 of the submissions does not count toward it. Last evaluated 2025-11-11.

Conditions:
COL11A2-related disorder. Also called: COL11A2-related condition; COL11A2-related disorders.

Allele frequency attached by ClinVar (database versions not stated): gnomAD exomes below 0.00001.

Submissions (2):

Labcorp Genetics (formerly Invitae), Labcorp
Classification: Likely benign. Last evaluated: 2025-11-11. Review status: criteria provided, single submitter. Criteria: Invitae Variant Classification Sherloc (09022015). Collection method: clinical testing. Allele origin: germline.

PreventionGenetics, part of Exact Sciences
Classification: Likely benign for COL11A2-related condition. Last evaluated: 2023-01-09. Review status: no assertion criteria provided. Collection method: clinical testing. Allele origin: germline. Not counted in ClinVar's aggregate classification.
Comment: This variant is classified as likely benign based on ACMG/AMP sequence variant interpretation guidelines (Richards et al. 2015 PMID: 25741868, with internal and published modifications).